The following is an entry in ClinVar:

ClinVar aggregate classification (germline): Conflicting classifications of pathogenicity. Review status: criteria provided, conflicting classifications (1 of 4 stars). 2 submissions from 2 submitters: Likely pathogenic (1); Uncertain significance (1). Last evaluated 2021-07-13.

Allele frequency attached by ClinVar (database versions not stated): gnomAD exomes below 0.00001.

Submissions (2):

Blueprint Genetics
Classification: Uncertain significance. Last evaluated: 2021-07-13. Review status: criteria provided, single submitter. Criteria: ACMG Guidelines, 2015. Collection method: clinical testing. Allele origin: germline.

GeneDx
Classification: Likely pathogenic. Last evaluated: 2019-05-21. Review status: criteria provided, single submitter. Criteria: GeneDx Variant Classification Process June 2021. Collection method: clinical testing. Allele origin: germline. Affected: yes.
Comment: Not observed in large population cohorts (Lek et al., 2016); In silico analysis, which includes protein predictors and evolutionary conservation, supports a deleterious effect; Has not been previously published as pathogenic or benign to our knowledge

NM_001127649.3(PEX26):c.368T>C (p.Leu123Pro)

Gene: PEX26 (peroxisomal biogenesis factor 26; plus strand). Cytogenetic location: 22q11.21.
Variant type: single nucleotide variant.
Coding change: c.368T>C on transcript NM_001127649.3 (MANE Select); coding-DNA position 368, T replaced by C.
Protein change: p.Leu123Pro; replaces leucine 123 with proline.
Molecular consequence: missense variant.
Genome position (GRCh38, 1-based): chr22:18,080,011, T>C. VCF-style: chr22-18080011-T-C. GRCh37 (hg19) VCF-style: chr22-18562777-T-C.
Other names: c.368T>C, p.Leu123Pro (NM_001199319.2, NM_017929.6); short protein forms L123P.
Identifiers: ClinVar variation 265522 (VCV000265522.5), dbSNP rs886039598, ClinGen allele CA10588714.